The following is an entry in ClinVar:

NM_001193369.2(DIDO1):c.6296C>T (p.Pro2099Leu)

Gene: DIDO1 (death inducer-obliterator 1; minus strand). Cytogenetic location: 20q13.33.
Variant type: single nucleotide variant.
Coding change: c.6296C>T on transcript NM_001193369.2 (MANE Select); coding-DNA position 6296, C replaced by T.
Protein change: p.Pro2099Leu; replaces proline 2099 with leucine.
Molecular consequence: missense variant.
Genome position (GRCh38, 1-based): chr20:62,879,660, G>A on the plus strand (C>T on the coding strand, the complement: DIDO1 is on the minus strand). VCF-style: chr20-62879660-G-A. GRCh37 (hg19) VCF-style: chr20-61511012-G-A.
Other names: c.6296C>T, p.Pro2099Leu (NM_033081.3); short protein forms P2099L.
Identifiers: ClinVar variation 4538201 (VCV004538201.1).

ClinVar aggregate classification (germline): Uncertain significance (1 of 4 stars; one submission).

Submission:

Greenwood Genetic Center Diagnostic Laboratories, Greenwood Genetic Center
Classification: Uncertain significance. Last evaluated: 2025-05-01. Review status: criteria provided, single submitter. Criteria: ACMG Guidelines, 2015. Collection method: clinical testing. Allele origin: germline. Affected: yes.
Comment: Gene of Uncertain Significance